The following is an entry in ClinVar:

NM_001040108.2(MLH3):c.2972C>T (p.Ser991Leu)

Gene: MLH3 (mutL homolog 3; minus strand). Cytogenetic location: 14q24.3.
Variant type: single nucleotide variant.
Coding change: c.2972C>T on transcript NM_001040108.2 (MANE Select); coding-DNA position 2972, C replaced by T.
Protein change: p.Ser991Leu; replaces serine 991 with leucine.
Molecular consequence: missense variant.
Genome position (GRCh38, 1-based): chr14:75,046,684, G>A on the plus strand (C>T on the coding strand, the complement: MLH3 is on the minus strand). VCF-style: chr14-75046684-G-A. GRCh37 (hg19) VCF-style: chr14-75513387-G-A.
Other names: c.2972C>T, p.Ser991Leu (NM_014381.3); short protein forms S991L.
Identifiers: ClinVar variation 3691212 (VCV003691212.3).
Genomic context (GRCh38, chr14:75,046,684, plus strand): 5'-TCTTCTACCGGATTCATTAACATTCCACTGGGAGAGTCAAGACTTCCTATCTGTTGTTCT[G>A]AGGCTCTGATAAGAACATCTGAATCTTTACCGGTAACTTTAGAATTATTATAGGGCAATA-3'
Protein context (NP_001035197.1, residues 981-1001): GKDSDVLIRA[Ser991Leu]EQQIGSLDSP

ClinVar aggregate classification (germline): Uncertain significance. Review status: criteria provided, multiple submitters, no conflicts (2 of 4 stars). 2 submissions from 2 submitters: Uncertain significance (2). Last evaluated 2026-04-20.

Conditions:
Colorectal cancer, hereditary nonpolyposis, type 7. Identifiers: Orphanet 144, MedGen C1858380, MONDO:0013725, OMIM 614385.

Submissions (2):

Ambry Genetics
Classification: Uncertain significance. Last evaluated: 2026-04-20. Review status: criteria provided, single submitter. Criteria: Ambry Variant Classification Scheme 2023. Collection method: clinical testing. Allele origin: germline.
Comment: The p.S991L variant (also known as c.2972C>T), located in coding exon 1 of the MLH3 gene, results from a C to T substitution at nucleotide position 2972. The serine at codon 991 is replaced by leucine, an amino acid with dissimilar properties. This amino acid position is conserved. In addition, this alteration is predicted to be tolerated by in silico analysis. Based on the available evidence, the clinical significance of this variant remains unclear.

Labcorp Genetics (formerly Invitae), Labcorp
Classification: Uncertain significance for Colorectal cancer, hereditary nonpolyposis, type 7. Last evaluated: 2024-07-01. Review status: criteria provided, single submitter. Criteria: Invitae Variant Classification Sherloc (09022015). Collection method: clinical testing. Allele origin: germline.
Comment: This sequence change replaces serine, which is neutral and polar, with leucine, which is neutral and non-polar, at codon 991 of the MLH3 protein (p.Ser991Leu). This variant is not present in population databases (gnomAD no frequency). This variant has not been reported in the literature in individuals affected with MLH3-related conditions. Algorithms developed to predict the effect of missense changes on protein structure and function output the following: SIFT: "Not Available"; PolyPhen-2: "Benign"; Align-GVGD: "Not Available". The leucine amino acid residue is found in multiple mammalian species, which suggests that this missense change does not adversely affect protein function. In summary, the available evidence is currently insufficient to determine the role of this variant in disease. Therefore, it has been classified as a Variant of Uncertain Significance.